The following is an entry in ClinVar:

NM_000143.4(FH):c.1345dup (p.Met449fs)

Gene: FH (fumarate hydratase; minus strand). Cytogenetic location: 1q43.
Variant type: Duplication.
Coding change: c.1345dup on transcript NM_000143.4 (MANE Select); coding-DNA position 1345, one base duplicated (A; older notation c.1345dupA).
Protein change: p.Met449fs; shifts the reading frame from methionine 449.
Molecular consequence: frameshift variant.
Genome position (GRCh38, 1-based): chr1:241,500,482, T duplicated on the plus strand (A on the coding strand, the reverse complement: FH is on the minus strand). VCF-style (leftmost placement, unchanged base first): chr1-241500481-A-AT. GRCh37 (hg19) VCF-style: chr1-241663781-A-AT.
Other names: c.1345dupA (NM_000143.3); short protein forms M449fs.
Identifiers: ClinVar variation 5021773 (VCV005021773.1).

ClinVar aggregate classification (germline): Pathogenic (1 of 4 stars; one submission).

Conditions:
Hereditary cancer-predisposing syndrome. Also called: Neoplastic Syndromes, Hereditary; Tumor predisposition; Hereditary neoplastic syndrome; Hereditary Cancer Syndrome. Identifiers: Orphanet 140162, MedGen C0027672, MeSH D009386, MONDO:0015356.

Submission:

Ambry Genetics
Classification: Pathogenic for Hereditary cancer-predisposing syndrome. Last evaluated: 2026-08-04. Review status: criteria provided, single submitter. Criteria: Ambry Variant Classification Scheme 2023. Collection method: clinical testing. Allele origin: germline.
Comment: The c.1345dupA pathogenic mutation, located in coding exon 9 of the FH gene, results from a duplication of A at nucleotide position 1345, causing a translational frameshift with a predicted alternate stop codon (p.M449Nfs*3). This variant occurs at the 3' terminus of the gene, is not expected to trigger nonsense-mediated mRNA decay, and impacts the last 12% of the protein. However, premature stop codons are typically deleterious in nature and a significant portion of the protein is affected (Ambry internal data). This variant is considered to be rare based on population cohorts in the Genome Aggregation Database (gnomAD). Based on the supporting evidence, this variant is interpreted as a disease-causing mutation.